The following is an entry in ClinVar:

ClinVar aggregate classification (germline): Uncertain significance (1 of 4 stars; one submission).

gnomAD v4.1: 1 of 1,614,020 alleles (0.000062%); highest among the groups gnomAD compares: Non-Finnish European, 0.000085%; no homozygotes.

Submission:

Labcorp Genetics (formerly Invitae), Labcorp
Classification: Uncertain significance. Last evaluated: 2025-02-03. Review status: criteria provided, single submitter. Criteria: Invitae Variant Classification Sherloc (09022015). Collection method: clinical testing. Allele origin: germline.
Comment: This sequence change replaces histidine, which is basic and polar, with tyrosine, which is neutral and polar, at codon 1483 of the FN1 protein (p.His1483Tyr). This variant is present in population databases (rs767585136, gnomAD 0.007%). This variant has not been reported in the literature in individuals affected with FN1-related conditions. An algorithm developed to predict the effect of missense changes on protein structure and function (PolyPhen-2) suggests that this variant is likely to be tolerated. In summary, the available evidence is currently insufficient to determine the role of this variant in disease. Therefore, it has been classified as a Variant of Uncertain Significance.

NM_212482.4(FN1):c.4447C>T (p.His1483Tyr)

Gene: FN1 (fibronectin 1; minus strand). Cytogenetic location: 2q35.
Variant type: single nucleotide variant.
Coding change: c.4447C>T on transcript NM_212482.4 (MANE Select); coding-DNA position 4447, C replaced by T.
Protein change: p.His1483Tyr; replaces histidine 1483 with tyrosine.
Molecular consequence: missense variant.
Genome position (GRCh38, 1-based): chr2:215,386,854, G>A on the plus strand (C>T on the coding strand, the complement: FN1 is on the minus strand). VCF-style: chr2-215386854-G-A. GRCh37 (hg19) VCF-style: chr2-216251577-G-A.
Other names: c.4447C>T, p.His1483Tyr (NM_001306129.2, NM_001306130.2, NM_001365517.2 and 3 more transcripts); c.4174C>T, p.His1392Tyr (NM_001306131.2, NM_001306132.2, NM_001365518.2 and 7 more transcripts); short protein forms H1392Y, H1483Y.
Identifiers: ClinVar variation 3690655 (VCV003690655.2).
Genomic context (GRCh38, chr2:215,386,854, plus strand): 5'-AATTCCGAGAGTGGGGCACCCGATCTTCTCGAGGTCTCCCACTGAAGTGCTCGGGATGAT[G>A]GCGGATCCTGTAGCCAGTGATGGTGGCTCGAGGAGCAATCCAGTGCACAGTAAAAGAGTT-3'
Protein context (NP_997647.2, residues 1473-1493): RATITGYRIR[His1483Tyr]HPEHFSGRPR